The following is an entry in ClinVar:

NM_000264.5(PTCH1):c.98G>T (p.Arg33Leu)

Genes: PTCH1 (patched 1; minus strand), LOC130002133 (ATAC-STARR-seq lymphoblastoid silent region 20071; plus strand). Cytogenetic location: 9q22.32.
Variant type: single nucleotide variant.
Coding change: c.98G>T on transcript NM_000264.5 (MANE Select); coding-DNA position 98, G replaced by T.
Protein change: p.Arg33Leu; replaces arginine 33 with leucine.
Molecular consequence: missense variant. On other transcripts: non-coding transcript variant (1), intron variant (3).
Genome position (GRCh38, 1-based): chr9:95,508,264, C>A on the plus strand (G>T on the coding strand, the complement: PTCH1 is on the minus strand). VCF-style: chr9-95508264-C-A. GRCh37 (hg19) VCF-style: chr9-98270546-C-A.
Other names: c.98G>T, p.Arg33Leu (NM_001354918.2); c.199-1665G>T (NM_001083603.3); c.4-1665G>T (NM_001083602.3, NM_001354919.2); short protein forms R33L.
Identifiers: ClinVar variation 2452536 (VCV002452536.3), dbSNP rs2118908774, ClinGen allele CA374121428.
Genomic context (GRCh38, chr9:95,508,264, plus strand): 5'-GGCCGGTGCAGATAGTCCCGGTCCGGCGCGGCAGCACGGCGCAGCCCCCCCGTCCGTCTG[C>A]GCCTCCCGCCTCCAGCCGGCCGTCCCGGGGCACCGATACAGCCGCTGCCGCCGCCGCCGC-3'
Protein context (NP_000255.2, residues 23-43): APGRPAGGGR[Arg33Leu]RRTGGLRRAA

ClinVar aggregate classification (germline): Uncertain significance. Review status: criteria provided, multiple submitters, no conflicts (2 of 4 stars). 2 submissions from 2 submitters: Uncertain significance (2). Last evaluated 2025-07-22.

Conditions:
Hereditary cancer-predisposing syndrome. Also called: Hereditary neoplastic syndrome; Tumor predisposition; Neoplastic Syndromes, Hereditary; Hereditary Cancer Syndrome. Identifiers: Orphanet 140162, MedGen C0027672, MeSH D009386, MONDO:0015356.
Gorlin syndrome. Also called: Nevoid Basal Cell Carcinoma Syndrome; Basal cell nevus syndrome. Identifiers: Orphanet 377, MedGen C0004779, MONDO:0007187.

Submissions (2):

Labcorp Genetics (formerly Invitae), Labcorp
Classification: Uncertain significance for Gorlin syndrome. Last evaluated: 2025-07-22. Review status: criteria provided, single submitter. Criteria: Invitae Variant Classification Sherloc (09022015). Collection method: clinical testing. Allele origin: germline.
Comment: This sequence change replaces arginine, which is basic and polar, with leucine, which is neutral and non-polar, at codon 33 of the PTCH1 protein (p.Arg33Leu). This variant is not present in population databases (gnomAD no frequency). This variant has not been reported in the literature in individuals affected with PTCH1-related conditions. ClinVar contains an entry for this variant (Variation ID: 2452536). Invitae Evidence Modeling of protein sequence and biophysical properties (such as structural, functional, and spatial information, amino acid conservation, physicochemical variation, residue mobility, and thermodynamic stability) indicates that this missense variant is not expected to disrupt PTCH1 protein function with a negative predictive value of 95%. In summary, the available evidence is currently insufficient to determine the role of this variant in disease. Therefore, it has been classified as a Variant of Uncertain Significance.

Ambry Genetics
Classification: Uncertain significance for Hereditary cancer-predisposing syndrome. Last evaluated: 2023-03-14. Review status: criteria provided, single submitter. Criteria: Ambry Variant Classification Scheme 2023. Collection method: clinical testing. Allele origin: germline.
Comment: The p.R33L variant (also known as c.98G>T), located in coding exon 1 of the PTCH1 gene, results from a G to T substitution at nucleotide position 98. The arginine at codon 33 is replaced by leucine, an amino acid with dissimilar properties. This amino acid position is conserved. In addition, the in silico prediction for this alteration is inconclusive. Since supporting evidence is limited at this time, the clinical significance of this alteration remains unclear.